The following is an entry in ClinVar:

ClinVar aggregate classification (germline): Likely benign (1 of 4 stars; one submission).

Allele frequency attached by ClinVar (database versions not stated): 1000 Genomes Project 30x 0.00042; 1000 Genomes Project 0.00053; gnomAD 0.00057; ExAC 0.00071; TOPMed 0.00079; ESP Exome Variant Server 0.00085; gnomAD exomes 0.00087.
gnomAD v4.1: 989 of 1,175,999 alleles (0.084%); highest among the groups gnomAD compares: Middle Eastern, 0.17%; 1 homozygote.

Submission:

CeGaT Center for Human Genetics Tuebingen
Classification: Likely benign. Last evaluated: 2023-02-01. Review status: criteria provided, single submitter. Criteria: CeGaT Center For Human Genetics Tuebingen Variant Classification Criteria Version 2. Collection method: clinical testing. Allele origin: germline. Affected: yes. Observed: 1 variant allele.
Comment: PCYT1B: BP4, BP7, BS2

NM_004845.5(PCYT1B):c.1041C>T (p.Pro347=)

Gene: PCYT1B (phosphate cytidylyltransferase 1B, choline; minus strand). Cytogenetic location: Xp22.11.
Variant type: single nucleotide variant.
Coding change: c.1041C>T on transcript NM_004845.5 (MANE Select); coding-DNA position 1041, C replaced by T.
Protein change: p.Pro347=; no amino-acid change (proline 347 retained).
Molecular consequence: synonymous variant. On other transcripts: intron variant (1).
Genome position (GRCh38, 1-based): chrX:24,562,362, G>A on the plus strand (C>T on the coding strand, the complement: PCYT1B is on the minus strand). VCF-style: chrX-24562362-G-A. GRCh37 (hg19) VCF-style: chrX-24580479-G-A.
Other names: c.987C>T, p.Pro329= (NM_001163264.2); c.960+81C>T (NM_001163265.2).
Identifiers: ClinVar variation 2660193 (VCV002660193.24), dbSNP rs148789676, ClinGen allele CA10372458.